The following is an entry in ClinVar:

ClinVar aggregate classification (germline): Uncertain significance (1 of 4 stars; one submission).

gnomAD v4.1: 7 of 1,613,620 alleles (0.00043%); highest among the groups gnomAD compares: African/African-American, 0.0013%; no homozygotes.

Submission:

Labcorp Genetics (formerly Invitae), Labcorp
Classification: Uncertain significance. Last evaluated: 2025-11-27. Review status: criteria provided, single submitter. Criteria: Invitae Variant Classification Sherloc (09022015). Collection method: clinical testing. Allele origin: germline.
Comment: This sequence change replaces valine, which is neutral and non-polar, with isoleucine, which is neutral and non-polar, at codon 242 of the SLC1A2 protein (p.Val242Ile). This variant is not present in population databases (gnomAD no frequency). This variant has not been reported in the literature in individuals affected with SLC1A2-related conditions. Invitae Evidence Modeling of protein sequence and biophysical properties (such as structural, functional, and spatial information, amino acid conservation, physicochemical variation, residue mobility, and thermodynamic stability) indicates that this missense variant is not expected to disrupt SLC1A2 protein function with a negative predictive value of 80%. In summary, the available evidence is currently insufficient to determine the role of this variant in disease. Therefore, it has been classified as a Variant of Uncertain Significance.

NM_004171.4(SLC1A2):c.724G>A (p.Val242Ile)

Gene: SLC1A2 (solute carrier family 1 member 2; minus strand). Cytogenetic location: 11p13.
Variant type: single nucleotide variant.
Coding change: c.724G>A on transcript NM_004171.4 (MANE Select); coding-DNA position 724, G replaced by A.
Protein change: p.Val242Ile; replaces valine 242 with isoleucine.
Molecular consequence: missense variant.
Genome position (GRCh38, 1-based): chr11:35,306,080, C>T on the plus strand (G>A on the coding strand, the complement: SLC1A2 is on the minus strand). VCF-style: chr11-35306080-C-T. GRCh37 (hg19) VCF-style: chr11-35327627-C-T.
Other names: c.697G>A, p.Val233Ile (NM_001195728.3, NM_001252652.2, NM_001439341.1); c.712G>A, p.Val238Ile (NM_001439342.1); c.724G>A, p.Val242Ile (NM_001439343.1); short protein forms V238I, V233I, V242I.
Identifiers: ClinVar variation 4745219 (VCV004745219.1).